The following is an entry in ClinVar:

ClinVar aggregate classification (germline): Likely benign. Review status: criteria provided, single submitter (1 of 4 stars). 2 submissions from 2 submitters: Likely benign (1). 1 of the submissions does not count toward it. Last evaluated 2023-10-20.

Conditions:
CACNA1E-related disorder. Also called: CACNA1E-related condition.

Allele frequency attached by ClinVar (database versions not stated): ExAC 0.00001; gnomAD exomes 0.00001; TOPMed 0.00001; gnomAD 0.00002; ESP Exome Variant Server 0.00008; 1000 Genomes Project 0.00020; 1000 Genomes Project 30x 0.00031.
gnomAD v4.1: 17 of 1,613,802 alleles (0.0011%); highest among the groups gnomAD compares: Admixed American, 0.0017%; no homozygotes.

Submissions (2):

Labcorp Genetics (formerly Invitae), Labcorp
Classification: Likely benign. Last evaluated: 2023-10-20. Review status: criteria provided, single submitter. Criteria: Invitae Variant Classification Sherloc (09022015). Collection method: clinical testing. Allele origin: germline.

PreventionGenetics, part of Exact Sciences
Classification: Likely benign for CACNA1E-related condition. Last evaluated: 2019-06-10. Review status: no assertion criteria provided. Collection method: clinical testing. Allele origin: germline. Not counted in ClinVar's aggregate classification.
Comment: This variant is classified as likely benign based on ACMG/AMP sequence variant interpretation guidelines (Richards et al. 2015 PMID: 25741868, with internal and published modifications).

NM_001205293.3(CACNA1E):c.4209T>C (p.Tyr1403=)

Gene: CACNA1E (calcium voltage-gated channel subunit alpha1 E; plus strand). Cytogenetic location: 1q25.3.
Variant type: single nucleotide variant.
Coding change: c.4209T>C on transcript NM_001205293.3 (MANE Select); coding-DNA position 4209, T replaced by C.
Protein change: p.Tyr1403=; no amino-acid change (tyrosine 1403 retained).
Molecular consequence: synonymous variant.
Genome position (GRCh38, 1-based): chr1:181,757,006, T>C. VCF-style: chr1-181757006-T-C. GRCh37 (hg19) VCF-style: chr1-181726142-T-C.
Other names: c.4209T>C, p.Tyr1403= (NM_000721.4); c.4152T>C, p.Tyr1384= (NM_001205294.2); c.4209T>C (NM_000721.3).
Identifiers: ClinVar variation 1904970 (VCV001904970.7), dbSNP rs367930905, ClinGen allele CA1275793.